The following is an entry in ClinVar:

ClinVar aggregate classification (germline): Likely benign (1 of 4 stars; one submission).

Submission:

CeGaT Center for Human Genetics Tuebingen
Classification: Likely benign. Last evaluated: 2026-07-01. Review status: criteria provided, single submitter. Criteria: CeGaT Center For Human Genetics Tuebingen Variant Classification Criteria Version 2. Collection method: clinical testing. Allele origin: germline. Affected: yes. Observed: 1 variant allele.
Comment: PML: PM2:Supporting, BP4, BP7

NM_033238.3(PML):c.1587G>A (p.Arg529=)

Gene: PML (PML nuclear body scaffold; plus strand). Cytogenetic location: 15q24.1.
Variant type: single nucleotide variant.
Coding change: c.1587G>A on transcript NM_033238.3 (MANE Select); coding-DNA position 1587, G replaced by A.
Protein change: p.Arg529=; no amino-acid change (arginine 529 retained).
Molecular consequence: synonymous variant. On other transcripts: intron variant (2).
Genome position (GRCh38, 1-based): chr15:74,033,344, G>A. VCF-style: chr15-74033344-G-A. GRCh37 (hg19) VCF-style: chr15-74325685-G-A.
Other names: c.1587G>A, p.Arg529= (NM_002675.4, NM_033239.3, NM_033240.3 and 1 more transcripts); c.1443G>A, p.Arg481= (NM_033249.3, NM_033250.3); c.1255-1134G>A (NM_033246.3); c.1255-2663G>A (NM_033247.3).
Identifiers: ClinVar variation 5040220 (VCV005040220.1).